The following is an entry in ClinVar:

NM_001363.5(DKC1):c.52_54del (p.Glu18del)

Gene: DKC1 (dyskerin pseudouridine synthase 1; plus strand). Cytogenetic location: Xq28.
Variant type: Deletion.
Coding change: c.52_54del on transcript NM_001363.5 (MANE Select); coding-DNA positions 52 to 54, 3 bases deleted (GAG; older notation c.52_54delGAG).
Protein change: p.Glu18del; deletes glutamic acid 18.
Molecular consequence: inframe deletion. On other transcripts: non-coding transcript variant (3).
Genome position (GRCh38, 1-based): chrX:154,764,934-154,764,936, GAG deleted; deleting any 3 consecutive bases within chrX:154,764,932-154,764,936 gives the same sequence; the c. name uses the placement nearest the transcript's 3' end. VCF-style (leftmost placement, unchanged base first): chrX-154764931-AAGG-A. GRCh37 (hg19) VCF-style: chrX-153993206-AAGG-A.
Other names: c.52_54del, p.Glu18del (NM_001142463.3, NM_001288747.2); short protein forms E18del.
Identifiers: ClinVar variation 1434717 (VCV001434717.6), dbSNP rs2071726998, ClinGen allele CA2466784433.

ClinVar aggregate classification (germline): Uncertain significance (1 of 4 stars; one submission).

Conditions:
Dyskeratosis congenita. Identifiers: Orphanet 1775, MedGen C0265965, MONDO:0015780.

Submission:

Labcorp Genetics (formerly Invitae), Labcorp
Classification: Uncertain significance for Dyskeratosis congenita. Last evaluated: 2024-10-24. Review status: criteria provided, single submitter. Criteria: Invitae Variant Classification Sherloc (09022015). Collection method: clinical testing. Allele origin: germline.
Comment: This variant, c.52_54del, results in the deletion of 1 amino acid(s) of the DKC1 protein (p.Glu18del), but otherwise preserves the integrity of the reading frame. This variant is not present in population databases (gnomAD no frequency). This variant has not been reported in the literature in individuals affected with DKC1-related conditions. ClinVar contains an entry for this variant (Variation ID: 1434717). Experimental studies and prediction algorithms are not available or were not evaluated, and the functional significance of this variant is currently unknown. In summary, the available evidence is currently insufficient to determine the role of this variant in disease. Therefore, it has been classified as a Variant of Uncertain Significance.